The following is an entry in ClinVar:

NM_144997.7(FLCN):c.1286dup (p.His429fs)

Gene: FLCN (folliculin; minus strand). Cytogenetic location: 17p11.2.
Variant type: Duplication.
Coding change: c.1286dup on transcript NM_144997.7 (MANE Select); coding-DNA position 1286, one base duplicated (A; older notation c.1286dupA).
Protein change: p.His429fs; shifts the reading frame from histidine 429.
Molecular consequence: frameshift variant.
Genome position (GRCh38, 1-based): chr17:17,216,394, T duplicated on the plus strand (A on the coding strand, the reverse complement: FLCN is on the minus strand). VCF-style (leftmost placement, unchanged base first): chr17-17216393-G-GT. GRCh37 (hg19) VCF-style: chr17-17119707-G-GT.
Other names: c.1340dup, p.His447fs (NM_001353229.2); c.1286dup (LRG_325t1); c.1286dup, p.His429fs (NM_001353230.2, NM_001353231.2); short protein forms H429fs, H447fs.
Identifiers: ClinVar variation 253247 (VCV000253247.11), dbSNP rs879255675, ClinGen allele CA10586256.
Genomic context (GRCh38, chr17:17,216,393, plus strand): 5'-GGAACCTCAGCGCAGGGCATGGCCCCACAGCCCGCGGGGGCACGCACCTGAGGAGAGCAC[G>GT]TGGGGGGGGATCTGCACGTGCGGGCTGAGCCCCAGGAAGTTGCACCGATAGGCCTCCTCG-3'

ClinVar aggregate classification (germline): Pathogenic. Review status: criteria provided, multiple submitters, no conflicts (2 of 4 stars). 5 submissions from 5 submitters: Pathogenic (5). Last evaluated 2025-07-11.

Conditions:
Hereditary cancer-predisposing syndrome. Also called: Tumor predisposition; Hereditary Cancer Syndrome; Neoplastic Syndromes, Hereditary; Hereditary neoplastic syndrome. Identifiers: Orphanet 140162, MedGen C0027672, MeSH D009386, MONDO:0015356.
Birt-Hogg-Dube syndrome. Also called: Birt Hogg Dubé syndrome. Identifiers: Orphanet 122, MedGen C0346010, MONDO:0800444.

Allele frequency attached by ClinVar (database versions not stated): gnomAD exomes below 0.00001.

Submissions (5):

Ambry Genetics
Classification: Pathogenic for Hereditary cancer-predisposing syndrome. Last evaluated: 2025-07-11. Review status: criteria provided, single submitter. Criteria: Ambry Variant Classification Scheme 2023. Collection method: clinical testing. Allele origin: germline.
Comment: The c.1286dupA pathogenic mutation, located in coding exon 8 of the FLCN gene, results from a duplication of A at nucleotide position 1286, causing a translational frameshift with a predicted alternate stop codon (p.H429Qfs*27). This variant has been observed in individuals with a personal and/or family history that is consistent with FLCN-related disease (Ambry internal data; Toro JR et al. J Med Genet, 2008 Jun;45:321-31). Of note, this variant is referred to as c.1741insA in the published literature. This variant is considered to be rare based on population cohorts in the Genome Aggregation Database (gnomAD). This alteration is expected to result in loss of function by premature protein truncation or nonsense-mediated mRNA decay. As such, this alteration is interpreted as a disease-causing mutation.

Labcorp Genetics (formerly Invitae), Labcorp
Classification: Pathogenic for Birt-Hogg-Dube syndrome. Last evaluated: 2024-09-23. Review status: criteria provided, single submitter. Criteria: Invitae Variant Classification Sherloc (09022015). Collection method: clinical testing. Allele origin: germline.
Comment: This sequence change creates a premature translational stop signal (p.His429Glnfs*27) in the FLCN gene. It is expected to result in an absent or disrupted protein product. Loss-of-function variants in FLCN are known to be pathogenic (PMID: 15852235). This variant is not present in population databases (gnomAD no frequency). This premature translational stop signal has been observed in individual(s) with Birt-Hogg-Dubé (BHD) syndrome (PMID: 18234728). This variant is also known as c.1741insA. ClinVar contains an entry for this variant (Variation ID: 253247). For these reasons, this variant has been classified as Pathogenic.

Myriad Genetics, Inc.
Classification: Pathogenic for Birt-Hogg-Dube syndrome 1. Last evaluated: 2023-02-08. Review status: criteria provided, single submitter. Criteria: Myriad Autosomal Dominant, Autosomal Recessive and X-Linked Classification Criteria (2023). Collection method: clinical testing. Allele origin: unknown.
Comment: This variant is considered pathogenic. This variant creates a frameshift predicted to result in premature protein truncation.

GeneDx
Classification: Pathogenic. Last evaluated: 2017-07-18. Review status: criteria provided, single submitter. Criteria: GeneDx Variant Classification (06012015). Collection method: clinical testing. Allele origin: germline. Affected: yes.
Comment: The c.1286dupA variant in the FLCN gene has been reported previously in association with Birt-Hogg-Dube syndrome (Toro et al., 2008; Maffe et al., 2011). The duplication causes a frameshift starting with codon Histidine 429, changes this amino acid to a Glutamine residue and creates a premature Stop codon at position 27 of the new reading frame, denoted p.His429GlufsX27. This variant is predicted to cause loss of normal protein function either through protein truncation or nonsense-mediated mRNA decay. Based on currently available evidence, we consider c.1286dupA to be pathogenic, and its presence consistent with a diagnosis of Birt-Hogg-Dube syndrome.

Genomic Diagnostic Laboratory, Division of Genomic Diagnostics, Children's Hospital of Philadelphia
Classification: Pathogenic for Birt-Hogg-Dube Syndrome. Last evaluated: 2016-07-18. Review status: criteria provided, single submitter. Criteria: DGD Variant Analysis Guidelines. Collection method: clinical testing. Allele origin: germline. Affected: yes. Observed: 1 variant allele.
Comment: Clinical Testing

Literature cited by the submitters: PubMed 18234728 (cited by Ambry Genetics and Labcorp Genetics (formerly Invitae), Labcorp); PubMed 15852235 (cited by Labcorp Genetics (formerly Invitae), Labcorp).